The following is an entry in ClinVar:

ClinVar aggregate classification (germline): Uncertain significance. Review status: criteria provided, multiple submitters, no conflicts (2 of 4 stars). 2 submissions from 2 submitters: Uncertain significance (2). Last evaluated 2025-11-07.

Conditions:
Inborn genetic diseases. Identifiers: MedGen C0950123, MeSH D030342.

gnomAD v4.1: 7 of 1,613,898 alleles (0.00043%); highest among the groups gnomAD compares: Admixed American, 0.012%; no homozygotes.

Submissions (2):

Ambry Genetics
Classification: Uncertain significance for Inborn genetic diseases. Last evaluated: 2025-11-07. Review status: criteria provided, single submitter. Criteria: Ambry Variant Classification Scheme 2023. Collection method: clinical testing. Allele origin: germline.

GeneDx
Classification: Uncertain significance. Last evaluated: 2024-01-20. Review status: criteria provided, single submitter. Criteria: GeneDx Variant Classification Process June 2021. Collection method: clinical testing. Allele origin: germline. Affected: yes.
Comment: In silico analysis supports that this missense variant has a deleterious effect on protein structure/function; Has not been previously published as pathogenic or benign to our knowledge

NM_021957.4(GYS2):c.544T>C (p.Trp182Arg)

Gene: GYS2 (glycogen synthase 2; minus strand). Cytogenetic location: 12p12.1.
Variant type: single nucleotide variant.
Coding change: c.544T>C on transcript NM_021957.4 (MANE Select); coding-DNA position 544, T replaced by C.
Protein change: p.Trp182Arg; replaces tryptophan 182 with arginine.
Molecular consequence: missense variant.
Genome position (GRCh38, 1-based): chr12:21,574,278, A>G on the plus strand (T>C on the coding strand, the complement: GYS2 is on the minus strand). VCF-style: chr12-21574278-A-G. GRCh37 (hg19) VCF-style: chr12-21727212-A-G.
Other names: short protein forms W182R.
Identifiers: ClinVar variation 3368166 (VCV003368166.2).